The following is an entry in ClinVar:

NM_006206.6(PDGFRA):c.157A>T (p.Ser53Cys)

Gene: PDGFRA (platelet derived growth factor receptor alpha; plus strand). Cytogenetic location: 4q12.
Variant type: single nucleotide variant.
Coding change: c.157A>T on transcript NM_006206.6 (MANE Select); coding-DNA position 157, A replaced by T.
Protein change: p.Ser53Cys; replaces serine 53 with cysteine.
Molecular consequence: missense variant.
Genome position (GRCh38, 1-based): chr4:54,261,202, A>T. VCF-style: chr4-54261202-A-T. GRCh37 (hg19) VCF-style: chr4-55127369-A-T.
Other names: c.157A>T, p.Ser53Cys (NM_001347827.2, NM_001347829.2); c.232A>T, p.Ser78Cys (NM_001347828.2); c.196A>T, p.Ser66Cys (NM_001347830.2); short protein forms S53C, S66C, S78C.
Identifiers: ClinVar variation 1346040 (VCV001346040.8), dbSNP rs2110242203, ClinGen allele CA356888371.
Genomic context (GRCh38, chr4:54,261,202, plus strand): 5'-AATGAAAATGAAAAGGTTGTGCAGCTGAATTCATCCTTTTCTCTGAGATGCTTTGGGGAG[A>T]GTGAAGTGAGCTGGCAGTACCCCATGTCTGAAGAAGAGAGCTCCGATGTGGAAATCAGAA-3'
Protein context (NP_006197.1, residues 43-63): SSFSLRCFGE[Ser53Cys]EVSWQYPMSE

ClinVar aggregate classification (germline): Uncertain significance (1 of 4 stars; one submission).

Conditions:
Gastrointestinal stromal tumor. Also called: Gastrointestinal stroma tumor; Gastrointestinal stromal tumor, somatic. Identifiers: Orphanet 44890, MedGen C0238198, MeSH D046152, MONDO:0011719, OMIM 606764, HP:0100723.

Submission:

Labcorp Genetics (formerly Invitae), Labcorp
Classification: Uncertain significance for Gastrointestinal stromal tumor. Last evaluated: 2020-11-30. Review status: criteria provided, single submitter. Criteria: Invitae Variant Classification Sherloc (09022015). Collection method: clinical testing. Allele origin: germline.
Comment: This variant is not present in population databases (ExAC no frequency). In summary, the available evidence is currently insufficient to determine the role of this variant in disease. Therefore, it has been classified as a Variant of Uncertain Significance. Algorithms developed to predict the effect of missense changes on protein structure and function are either unavailable or do not agree on the potential impact of this missense change (SIFT: "Deleterious"; PolyPhen-2: "Probably Damaging"; Align-GVGD: "Class C0"). This variant has not been reported in the literature in individuals with PDGFRA-related conditions. This sequence change replaces serine with cysteine at codon 53 of the PDGFRA protein (p.Ser53Cys). The serine residue is moderately conserved and there is a moderate physicochemical difference between serine and cysteine.